The following is an entry in ClinVar:

ClinVar aggregate classification (germline): Likely pathogenic (1 of 4 stars; one submission).

Conditions:
Cardiovascular phenotype. Identifiers: MedGen CN230736.

Submission:

Ambry Genetics
Classification: Likely pathogenic for Cardiovascular phenotype. Last evaluated: 2026-06-04. Review status: criteria provided, single submitter. Criteria: Ambry Variant Classification Scheme 2023. Collection method: clinical testing. Allele origin: germline.
Comment: The c.62127delA variant, located in coding exon 161 of the TTN gene, results from a deletion of one nucleotide at nucleotide position 62127, causing a translational frameshift with a predicted alternate stop codon (p.R20709Sfs*27). This exon is located in the A-band region of the N2-B isoform of the titin protein and is constitutively expressed in TTN transcripts (percent spliced in or PSI 100%). This variant is considered to be rare based on population cohorts in the Genome Aggregation Database (gnomAD). This variant is expected to result in loss of function by premature protein truncation or nonsense-mediated mRNA decay. While truncating variants in TTN are present in 1-3% of the general population, truncating variants in the A-band are the most common cause of dilated cardiomyopathy (Herman DS et al. N. Engl. J. Med., 2012 Feb;366:619-28; Roberts AM et al. Sci Transl Med, 2015 Jan;7:270ra6). TTN truncating variants encoded in constitutive exons (PSI >90%) have been found to be significantly associated with DCM regardless of their position in titin (Schafer S et al. Nat. Genet., 2017 01;49:46-53; Akhtar MM et al. Circ Heart Fail, 2020 Oct;13:e006832; Massier M et al. Clin Genet, 2025 Jan). Based on the majority of available evidence to date, this variant is likely to be pathogenic.

NM_001267550.2(TTN):c.89322del (p.Arg29774fs)

Genes: TTN (titin; minus strand), TTN-AS1 (TTN antisense RNA 1; plus strand). Cytogenetic location: 2q31.2.
Variant type: Deletion.
Coding change: c.89322del on transcript NM_001267550.2 (MANE Select); coding-DNA position 89322, one base deleted (A; older notation c.89322delA).
Protein change: p.Arg29774fs; shifts the reading frame from arginine 29774.
Molecular consequence: frameshift variant.
Genome position (GRCh38, 1-based): chr2:178,553,683, T deleted on the plus strand (A on the coding strand, the reverse complement: TTN is on the minus strand). VCF-style (leftmost placement, unchanged base first): chr2-178553682-GT-G. GRCh37 (hg19) VCF-style: chr2-179418409-GT-G.
Other names: c.84399del, p.Arg28133fs (NM_001256850.1); c.62127del, p.Arg20709fs (NM_003319.4); c.81618del, p.Arg27206fs (NM_133378.4); c.62502del, p.Arg20834fs (NM_133432.3); c.62703del, p.Arg20901fs (NM_133437.4); c.62127delA (NM_003319.4); short protein forms R20709fs, R20834fs, R20901fs, R27206fs, R28133fs, R29774fs.
Identifiers: ClinVar variation 4866241 (VCV004866241.1).
Genomic context (GRCh38, chr2:178,553,682, plus strand): 5'-ATTCTGTAGTTCTGACCTCTCCTTTGGTAGAGACAGTAGTCCATTCCTCTTCCTCTCCTT[GT>G]CTTATCTCGACAACATACCCAGTAACAGCACTGCCCCCATCATAGACAGGCTTACTCCAG-3'